The following is an entry in ClinVar:

ClinVar aggregate classification (germline): Uncertain significance (1 of 4 stars; one submission).

Submission:

Labcorp Genetics (formerly Invitae), Labcorp
Classification: Uncertain significance. Last evaluated: 2022-03-10. Review status: criteria provided, single submitter. Criteria: Invitae Variant Classification Sherloc (09022015). Collection method: clinical testing. Allele origin: germline.
Comment: In summary, the available evidence is currently insufficient to determine the role of this variant in disease. Therefore, it has been classified as a Variant of Uncertain Significance. Algorithms developed to predict the effect of missense changes on protein structure and function are either unavailable or do not agree on the potential impact of this missense change (SIFT: "Not Available"; PolyPhen-2: "Probably Damaging"; Align-GVGD: "Not Available"). This variant has not been reported in the literature in individuals affected with MYO18B-related conditions. This variant is not present in population databases (gnomAD no frequency). This sequence change replaces serine, which is neutral and polar, with proline, which is neutral and non-polar, at codon 2517 of the MYO18B protein (p.Ser2517Pro).

NM_032608.7(MYO18B):c.7549T>C (p.Ser2517Pro)

Gene: MYO18B (myosin XVIIIB; plus strand). Cytogenetic location: 22q12.1.
Variant type: single nucleotide variant.
Coding change: c.7549T>C on transcript NM_032608.7 (MANE Select); coding-DNA position 7549, T replaced by C.
Protein change: p.Ser2517Pro; replaces serine 2517 with proline.
Molecular consequence: missense variant.
Genome position (GRCh38, 1-based): chr22:26,027,523, T>C. VCF-style: chr22-26027523-T-C. GRCh37 (hg19) VCF-style: chr22-26423489-T-C.
Other names: c.7552T>C, p.Ser2518Pro (NM_001318245.2); short protein forms S2518P, S2517P.
Identifiers: ClinVar variation 2108391 (VCV002108391.4), dbSNP rs2518438864, ClinGen allele CA411012899.